The following is an entry in ClinVar:

NM_182641.4(BPTF):c.7129A>T (p.Ile2377Phe)

Gene: BPTF (bromodomain PHD finger transcription factor; plus strand). Cytogenetic location: 17q24.2.
Variant type: single nucleotide variant.
Coding change: c.7129A>T on transcript NM_182641.4 (MANE Select); coding-DNA position 7129, A replaced by T.
Protein change: p.Ile2377Phe; replaces isoleucine 2377 with phenylalanine.
Molecular consequence: missense variant.
Genome position (GRCh38, 1-based): chr17:67,945,837, A>T. VCF-style: chr17-67945837-A-T. GRCh37 (hg19) VCF-style: chr17-65941953-A-T.
Other names: c.7318A>T, p.Ile2440Phe (NM_001439139.1, NM_001439143.1, NM_001439144.1); c.7507A>T, p.Ile2503Phe (NM_001439140.1, NM_001439142.1, NM_004459.7); c.7480A>T, p.Ile2494Phe (NM_001439141.1); short protein forms I2494F, I2377F, I2440F, I2503F.
Identifiers: ClinVar variation 4598728 (VCV004598728.2).
Genomic context (GRCh38, chr17:67,945,837, plus strand): 5'-TCCCAACTGTCTCCTGGACAACAATCCCAGGTTCAGACTACAACCTCACAACCGATTCCA[A>T]TTCAACCACATACATCTCTTCAGATACCTTCCCAAGGCCAGCCACAGTCACAACCCCAGG-3'
Protein context (NP_872579.2, residues 2367-2387): VQTTTSQPIP[Ile2377Phe]QPHTSLQIPS

ClinVar aggregate classification (germline): Uncertain significance. Review status: criteria provided, multiple submitters, no conflicts (2 of 4 stars). 2 submissions from 2 submitters: Uncertain significance (2). Last evaluated 2025-11-26.

Conditions:
Inborn genetic diseases. Identifiers: MedGen C0950123, MeSH D030342.

gnomAD v4.1: 21 of 1,614,004 alleles (0.0013%); highest among the groups gnomAD compares: Non-Finnish European, 0.0012%; no homozygotes.

Submissions (2):

Ambry Genetics
Classification: Uncertain significance for Inborn genetic diseases. Last evaluated: 2025-11-26. Review status: criteria provided, single submitter. Criteria: Ambry Variant Classification Scheme 2023. Collection method: clinical testing. Allele origin: germline.

Labcorp Genetics (formerly Invitae), Labcorp
Classification: Uncertain significance. Last evaluated: 2025-03-19. Review status: criteria provided, single submitter. Criteria: Invitae Variant Classification Sherloc (09022015). Collection method: clinical testing. Allele origin: germline.
Comment: This sequence change replaces isoleucine, which is neutral and non-polar, with phenylalanine, which is neutral and non-polar, at codon 2503 of the BPTF protein (p.Ile2503Phe). This variant is present in population databases (no rsID available, gnomAD 0.004%). This variant has not been reported in the literature in individuals affected with BPTF-related conditions. An algorithm developed to predict the effect of missense changes on protein structure and function (PolyPhen-2) suggests that this variant is likely to be disruptive. In summary, the available evidence is currently insufficient to determine the role of this variant in disease. Therefore, it has been classified as a Variant of Uncertain Significance.